The following is an entry in ClinVar:

ClinVar aggregate classification (germline): Likely benign (1 of 4 stars; one submission).

Allele frequency attached by ClinVar (database versions not stated): TOPMed below 0.00001; gnomAD 0.00001.
gnomAD v4.1: 8 of 1,614,010 alleles (0.0005%); highest among the groups gnomAD compares: African/African-American, 0.0027%; no homozygotes.

Submission:

CeGaT Center for Human Genetics Tuebingen
Classification: Likely benign. Last evaluated: 2023-10-01. Review status: criteria provided, single submitter. Criteria: CeGaT Center For Human Genetics Tuebingen Variant Classification Criteria Version 2. Collection method: clinical testing. Allele origin: germline. Affected: yes. Observed: 1 variant allele.
Comment: HERC2: BP4, BP7

NM_004667.6(HERC2):c.12072G>A (p.Ser4024=)

Gene: HERC2 (HECT and RLD domain containing E3 ubiquitin protein ligase 2; minus strand). Cytogenetic location: 15q13.1.
Variant type: single nucleotide variant.
Coding change: c.12072G>A on transcript NM_004667.6 (MANE Select); coding-DNA position 12072, G replaced by A.
Protein change: p.Ser4024=; no amino-acid change (serine 4024 retained).
Molecular consequence: synonymous variant.
Genome position (GRCh38, 1-based): chr15:28,135,636, C>T on the plus strand (G>A on the coding strand, the complement: HERC2 is on the minus strand). VCF-style: chr15-28135636-C-T. GRCh37 (hg19) VCF-style: chr15-28380782-C-T.
Identifiers: ClinVar variation 2645037 (VCV002645037.24), dbSNP rs1383413452, ClinGen allele CA488962306.
Genomic context (GRCh38, chr15:28,135,636, plus strand): 5'-CACAGCTACTTTCTTAATAAACACATGCTGAATGGATTCAAGCAATGTTGGGGTGGACAC[C>T]GACTCTGTCCCTCCAATGCCTAGTCTGCCACCTGCACCATACCCAGTGGCATACAGCTAA-3'
Protein context (NP_004658.3, residues 4014-4034): GGRLGIGGTE[Ser4024=]VSTPTLLESI